The following is an entry in ClinVar:

ClinVar aggregate classification (germline): Uncertain significance (1 of 4 stars; one submission).

Submission:

Labcorp Genetics (formerly Invitae), Labcorp
Classification: Uncertain significance. Last evaluated: 2023-08-03. Review status: criteria provided, single submitter. Criteria: Invitae Variant Classification Sherloc (09022015). Collection method: clinical testing. Allele origin: germline.
Comment: Experimental studies and prediction algorithms are not available or were not evaluated, and the functional significance of this variant is currently unknown. In summary, the available evidence is currently insufficient to determine the role of this variant in disease. Therefore, it has been classified as a Variant of Uncertain Significance. This variant has not been reported in the literature in individuals affected with BSN-related conditions. This sequence change replaces alanine, which is neutral and non-polar, with proline, which is neutral and non-polar, at codon 1772 of the BSN protein (p.Ala1772Pro). This variant is not present in population databases (gnomAD no frequency).

NM_003458.4(BSN):c.5314G>C (p.Ala1772Pro)

Gene: BSN (bassoon presynaptic cytomatrix protein; plus strand). Cytogenetic location: 3p21.31.
Variant type: single nucleotide variant.
Coding change: c.5314G>C on transcript NM_003458.4 (MANE Select); coding-DNA position 5314, G replaced by C.
Protein change: p.Ala1772Pro; replaces alanine 1772 with proline.
Molecular consequence: missense variant.
Genome position (GRCh38, 1-based): chr3:49,654,870, G>C. VCF-style: chr3-49654870-G-C. GRCh37 (hg19) VCF-style: chr3-49692303-G-C.
Other names: short protein forms A1772P.
Identifiers: ClinVar variation 2747944 (VCV002747944.3), dbSNP rs2472908537, ClinGen allele CA352821200.